The following is an entry in ClinVar:

ClinVar aggregate classification (germline): Likely benign. Review status: criteria provided, single submitter (1 of 4 stars). 2 submissions from 2 submitters: Likely benign (1). 1 of the submissions does not count toward it. Last evaluated 2023-05-01.

Conditions:
TRRAP-related disorder. Also called: TRRAP-related condition.

Submissions (2):

CeGaT Center for Human Genetics Tuebingen
Classification: Likely benign. Last evaluated: 2023-05-01. Review status: criteria provided, single submitter. Criteria: CeGaT Center For Human Genetics Tuebingen Variant Classification Criteria Version 2. Collection method: clinical testing. Allele origin: germline. Affected: yes. Observed: 1 variant allele.
Comment: TRRAP: BP4, BP7

PreventionGenetics, part of Exact Sciences
Classification: Likely benign for TRRAP-related condition. Last evaluated: 2019-05-03. Review status: no assertion criteria provided. Collection method: clinical testing. Allele origin: germline. Not counted in ClinVar's aggregate classification.
Comment: This variant is classified as likely benign based on ACMG/AMP sequence variant interpretation guidelines (Richards et al. 2015 PMID: 25741868, with internal and published modifications).

NM_001375524.1(TRRAP):c.1500A>C (p.Pro500=)

Gene: TRRAP (transformation/transcription domain associated protein; plus strand). Cytogenetic location: 7q22.1.
Variant type: single nucleotide variant.
Coding change: c.1500A>C on transcript NM_001375524.1 (MANE Select); coding-DNA position 1500, A replaced by C.
Protein change: p.Pro500=; no amino-acid change (proline 500 retained).
Molecular consequence: synonymous variant.
Genome position (GRCh38, 1-based): chr7:98,910,205, A>C. VCF-style: chr7-98910205-A-C. GRCh37 (hg19) VCF-style: chr7-98507828-A-C.
Other names: c.1500A>C (NM_003496.3); c.1500A>C, p.Pro500= (NM_001244580.2, NM_003496.4).
Identifiers: ClinVar variation 2657700 (VCV002657700.25), dbSNP rs781811166, ClinGen allele CA456871305.